The following is an entry in ClinVar:

ClinVar aggregate classification (germline): Uncertain significance. Review status: criteria provided, multiple submitters, no conflicts (2 of 4 stars). 2 submissions from 2 submitters: Uncertain significance (2). Last evaluated 2024-12-20.

Conditions:
Lethal multiple pterygium syndrome (LMPS). Identifiers: Orphanet 33108, MedGen C1854678, MONDO:0009668, OMIM 253290.

Allele frequency attached by ClinVar (database versions not stated): gnomAD exomes 0.00002.
gnomAD v4.1: 32 of 1,613,978 alleles (0.002%); highest among the groups gnomAD compares: Non-Finnish European, 0.0022%; no homozygotes.

Submissions (2):

Greenwood Genetic Center Diagnostic Laboratories, Greenwood Genetic Center
Classification: Uncertain significance. Last evaluated: 2024-12-20. Review status: criteria provided, single submitter. Criteria: ACMG Guidelines, 2015. Collection method: clinical testing. Allele origin: germline. Affected: yes.
Comment: PP3

Labcorp Genetics (formerly Invitae), Labcorp
Classification: Uncertain significance for Lethal multiple pterygium syndrome. Last evaluated: 2024-09-19. Review status: criteria provided, single submitter. Criteria: Invitae Variant Classification Sherloc (09022015). Collection method: clinical testing. Allele origin: germline.
Comment: This sequence change replaces proline, which is neutral and non-polar, with serine, which is neutral and polar, at codon 341 of the CHRNA1 protein (p.Pro341Ser). This variant is not present in population databases (gnomAD no frequency). This variant has not been reported in the literature in individuals affected with CHRNA1-related conditions. ClinVar contains an entry for this variant (Variation ID: 1399107). Invitae Evidence Modeling of protein sequence and biophysical properties (such as structural, functional, and spatial information, amino acid conservation, physicochemical variation, residue mobility, and thermodynamic stability) indicates that this missense variant is not expected to disrupt CHRNA1 protein function with a negative predictive value of 80%. In summary, the available evidence is currently insufficient to determine the role of this variant in disease. Therefore, it has been classified as a Variant of Uncertain Significance.

NM_000079.4(CHRNA1):c.1021C>T (p.Pro341Ser)

Gene: CHRNA1 (cholinergic receptor nicotinic alpha 1 subunit; minus strand). Cytogenetic location: 2q31.1.
Variant type: single nucleotide variant.
Coding change: c.1021C>T on transcript NM_000079.4 (MANE Select); coding-DNA position 1021, C replaced by T.
Protein change: p.Pro341Ser; replaces proline 341 with serine.
Molecular consequence: missense variant.
Genome position (GRCh38, 1-based): chr2:174,748,801, G>A on the plus strand (C>T on the coding strand, the complement: CHRNA1 is on the minus strand). VCF-style: chr2-174748801-G-A. GRCh37 (hg19) VCF-style: chr2-175613529-G-A.
Other names: c.1096C>T, p.Pro366Ser (NM_001039523.3); short protein forms P341S, P366S.
Identifiers: ClinVar variation 1399107 (VCV001399107.9), dbSNP rs2105344415, ClinGen allele CA349335308.
Genomic context (GRCh38, chr2:174,748,801, plus strand): 5'-TCTTTTTGTCTTGCTTTTCTCTGGATGGTCTTTTCATTGTGGAGAAAAACATGATATTTG[G>A]GATAGTGTCGATAAAAACCTAACATAAAAAAGAAATCCATGCATGAGAATTATTGTCCAG-3'
Protein context (NP_000070.1, residues 331-351): WVRKVFIDTI[Pro341Ser]NIMFFSTMKR